The following is an entry in ClinVar:

NM_000455.5(STK11):c.851A>G (p.Asp284Gly)

Gene: STK11 (serine/threonine kinase 11; plus strand). Cytogenetic location: 19p13.3.
Variant type: single nucleotide variant.
Coding change: c.851A>G on transcript NM_000455.5 (MANE Select); coding-DNA position 851, A replaced by G.
Protein change: p.Asp284Gly; replaces aspartic acid 284 with glycine.
Molecular consequence: missense variant.
Genome position (GRCh38, 1-based): chr19:1,221,329, A>G. VCF-style: chr19-1221329-A-G. GRCh37 (hg19) VCF-style: chr19-1221328-A-G.
Other names: short protein forms D284G.
Identifiers: ClinVar variation 1361512 (VCV001361512.10), dbSNP rs2145427238, ClinGen allele CA402950739.

ClinVar aggregate classification (germline): Uncertain significance. Review status: criteria provided, multiple submitters, no conflicts (2 of 4 stars). 2 submissions from 2 submitters: Uncertain significance (2). Last evaluated 2021-09-09.

Conditions:
Hereditary cancer-predisposing syndrome. Also called: Hereditary Cancer Syndrome; Hereditary neoplastic syndrome; Tumor predisposition; Neoplastic Syndromes, Hereditary. Identifiers: Orphanet 140162, MedGen C0027672, MeSH D009386, MONDO:0015356.
Peutz-Jeghers syndrome (PJS). Also called: POLYPOSIS, HAMARTOMATOUS INTESTINAL; POLYPS-AND-SPOTS SYNDROME; Peutz-Jeghers polyposis; Periorificial lentiginosis syndrome. Identifiers: Orphanet 2869, MedGen C0031269, MeSH D010580, MONDO:0008280, OMIM 175200.

Submissions (2):

Ambry Genetics
Classification: Uncertain significance for Hereditary cancer-predisposing syndrome. Last evaluated: 2021-09-09. Review status: criteria provided, single submitter. Criteria: Ambry Variant Classification Scheme 2023. Collection method: clinical testing. Allele origin: germline.
Comment: The p.D284G variant (also known as c.851A>G), located in coding exon 6 of the STK11 gene, results from an A to G substitution at nucleotide position 851. The aspartic acid at codon 284 is replaced by glycine, an amino acid with similar properties. This amino acid position is highly conserved in available vertebrate species. In addition, the in silico prediction for this alteration is inconclusive. Since supporting evidence is limited at this time, the clinical significance of this alteration remains unclear.

Labcorp Genetics (formerly Invitae), Labcorp
Classification: Uncertain significance for Peutz-Jeghers syndrome. Last evaluated: 2020-11-13. Review status: criteria provided, single submitter. Criteria: Invitae Variant Classification Sherloc (09022015). Collection method: clinical testing. Allele origin: germline.
Comment: In summary, the available evidence is currently insufficient to determine the role of this variant in disease. Therefore, it has been classified as a Variant of Uncertain Significance. Advanced modeling of experimental studies (such as gene expression, population dynamics, functional pathways, and cell-cycle effects in cell culture) performed at Invitae indicates that this missense variant is expected to disrupt STK11 protein function. This variant has not been reported in the literature in individuals with STK11-related conditions. This variant is not present in population databases (ExAC no frequency). This sequence change replaces aspartic acid with glycine at codon 284 of the STK11 protein (p.Asp284Gly). The aspartic acid residue is highly conserved and there is a moderate physicochemical difference between aspartic acid and glycine.